The following is an entry in ClinVar:

NM_002335.4(LRP5):c.1337A>G (p.Asn446Ser)

Gene: LRP5 (LDL receptor related protein 5; plus strand). Cytogenetic location: 11q13.2.
Variant type: single nucleotide variant.
Coding change: c.1337A>G on transcript NM_002335.4 (MANE Select); coding-DNA position 1337, A replaced by G.
Protein change: p.Asn446Ser; replaces asparagine 446 with serine.
Molecular consequence: missense variant. On other transcripts: 5 prime UTR variant (1).
Genome position (GRCh38, 1-based): chr11:68,386,637, A>G. VCF-style: chr11-68386637-A-G. GRCh37 (hg19) VCF-style: chr11-68154105-A-G.
Other names: c.-429A>G (NM_001291902.2); short protein forms N446S.
Identifiers: ClinVar variation 1375624 (VCV001375624.10), dbSNP rs771268909, ClinGen allele CA6149306.

ClinVar aggregate classification (germline): Uncertain significance. Review status: criteria provided, multiple submitters, no conflicts (2 of 4 stars). 3 submissions from 3 submitters: Uncertain significance (3). Last evaluated 2025-07-10.

Conditions:
Osteoporosis. Identifiers: MedGen C0029456, MONDO:0005298, OMIM 166710, HP:0000939.
Exudative vitreoretinopathy 4 (EVR4). Identifiers: Orphanet 891, MedGen C1866176, MONDO:0011151, OMIM 601813.
Bone mineral density quantitative trait locus 1 (BMND1). Identifiers: MedGen C1866079, OMIM 601884.
Worth disease. Also called: ENDOSTEAL HYPEROSTOSIS, AUTOSOMAL DOMINANT; OSTEOSCLEROSIS, AUTOSOMAL DOMINANT; Autosomal dominant osteosclerosis, Worth type. Identifiers: Orphanet 2790, MedGen C0432273, MONDO:0007764, OMIM 144750.
Exudative vitreoretinopathy 1 (EVR1). Also called: CRISWICK-SCHEPENS SYNDROME; FEVR, AUTOSOMAL DOMINANT; Familial exudative vitreoretinopathy, autosomal dominant. Identifiers: Orphanet 891, Orphanet 90050, MedGen C1851402, MONDO:0007589, OMIM 133780.
Osteoporosis with pseudoglioma (OPPG). Also called: osteoporosis-pseudoglioma syndrome. Identifiers: Orphanet 2788, MedGen C0432252, MONDO:0009820, OMIM 259770.
Polycystic liver disease 4 with or without kidney cysts. Identifiers: MedGen C4693479, MONDO:0044327, OMIM 617875.
Autosomal dominant osteopetrosis 1 (OPTA1). Also called: OSTEOPETROSIS, AUTOSOMAL DOMINANT, TYPE I. Identifiers: Orphanet 2783, MedGen C1843330, MONDO:0011877, OMIM 607634.

Allele frequency attached by ClinVar (database versions not stated): ExAC 0.00001; gnomAD exomes 0.00001.

Submissions (3):

Clinical Genetics Laboratory, Skane University Hospital Lund
Classification: Uncertain significance for Osteoporosis. Last evaluated: 2025-07-10. Review status: criteria provided, single submitter. Criteria: ACMG Guidelines, 2015. Collection method: clinical testing. Allele origin: germline. Affected: yes.
Comment: ACMG criteria used: PM2, PP3

Labcorp Genetics (formerly Invitae), Labcorp
Classification: Uncertain significance. Last evaluated: 2023-01-23. Review status: criteria provided, single submitter. Criteria: Invitae Variant Classification Sherloc (09022015). Collection method: clinical testing. Allele origin: germline.
Comment: This variant is present in population databases (rs771268909, gnomAD 0.002%). This sequence change replaces asparagine, which is neutral and polar, with serine, which is neutral and polar, at codon 446 of the LRP5 protein (p.Asn446Ser). This variant has not been reported in the literature in individuals affected with LRP5-related conditions. ClinVar contains an entry for this variant (Variation ID: 1375624). Algorithms developed to predict the effect of missense changes on protein structure and function (SIFT, PolyPhen-2, Align-GVGD) all suggest that this variant is likely to be disruptive. In summary, the available evidence is currently insufficient to determine the role of this variant in disease. Therefore, it has been classified as a Variant of Uncertain Significance.

Fulgent Genetics
Classification: Uncertain significance for Exudative vitreoretinopathy 1; Worth disease; Osteoporosis; Osteoporosis with pseudoglioma; Exudative vitreoretinopathy 4; Bone mineral density quantitative trait locus 1; Autosomal dominant osteopetrosis 1; Polycystic liver disease 4 with or without kidney cysts. Last evaluated: 2021-10-05. Review status: criteria provided, single submitter. Criteria: ACMG Guidelines, 2015. Collection method: clinical testing. Allele origin: unknown.